The following is an entry in ClinVar:

ClinVar aggregate classification (germline): Likely benign. Review status: criteria provided, multiple submitters, no conflicts (2 of 4 stars). 2 submissions from 2 submitters: Likely benign (2). Last evaluated 2025-05-27.

Conditions:
Tuberous sclerosis 2 (TSC2). Identifiers: Orphanet 805, MedGen C1860707, MONDO:0013199, OMIM 613254.

Allele frequency attached by ClinVar (database versions not stated): gnomAD exomes below 0.00001; TOPMed 0.00001.
gnomAD v4.1: 6 of 1,612,546 alleles (0.00037%); highest among the groups gnomAD compares: Admixed American, 0.0033%; no homozygotes.

Submissions (2):

Myriad Genetics, Inc.
Classification: Likely benign for Tuberous sclerosis 2. Last evaluated: 2025-05-27. Review status: criteria provided, single submitter. Criteria: Myriad Autosomal Dominant, Autosomal Recessive and X-Linked Classification Criteria (2023). Collection method: clinical testing. Allele origin: unknown.
Comment: This variant is considered likely benign. This variant is intronic and is not expected to impact mRNA splicing.

Labcorp Genetics (formerly Invitae), Labcorp
Classification: Likely benign for Tuberous sclerosis 2. Last evaluated: 2024-05-14. Review status: criteria provided, single submitter. Criteria: Invitae Variant Classification Sherloc (09022015). Collection method: clinical testing. Allele origin: germline.

NM_000548.5(TSC2):c.2837+9T>C

Gene: TSC2 (TSC complex subunit 2; plus strand). Cytogenetic location: 16p13.3.
Variant type: single nucleotide variant.
Coding change: c.2837+9T>C on transcript NM_000548.5 (MANE Select); 9 bases into the intron after coding-DNA position 2837, T replaced by C.
Molecular consequence: intron variant.
Genome position (GRCh38, 1-based): chr16:2,076,594, T>C. VCF-style: chr16-2076594-T-C. GRCh37 (hg19) VCF-style: chr16-2126595-T-C.
Other names: c.2837+9T>C (NM_001114382.3, NM_021055.3, NM_001370405.1 and 3 more transcripts); c.2726+9T>C (NM_001318827.2); c.2237+9T>C (NM_001318831.2); c.2690+9T>C (NM_001318829.2); c.2870+9T>C (NM_001318832.2).
Identifiers: ClinVar variation 467973 (VCV000467973.12), dbSNP rs912479360, ClinGen allele CA276742143.